The following is an entry in ClinVar:

NM_014832.5(TBC1D4):c.606C>T (p.Phe202=)

Gene: TBC1D4 (TBC1 domain family member 4; minus strand). Cytogenetic location: 13q22.2.
Variant type: single nucleotide variant.
Coding change: c.606C>T on transcript NM_014832.5 (MANE Select); coding-DNA position 606, C replaced by T.
Protein change: p.Phe202=; no amino-acid change (phenylalanine 202 retained).
Molecular consequence: synonymous variant.
Genome position (GRCh38, 1-based): chr13:75,362,500, G>A on the plus strand (C>T on the coding strand, the complement: TBC1D4 is on the minus strand). VCF-style: chr13-75362500-G-A. GRCh37 (hg19) VCF-style: chr13-75936636-G-A.
Other names: c.606C>T, p.Phe202= (NM_001286658.2, NM_001286659.2); c.606C>T (NM_014832.4).
Identifiers: ClinVar variation 130555 (VCV000130555.9), dbSNP rs17254379, ClinGen allele CA214726.

ClinVar aggregate classification (germline): Benign. Review status: criteria provided, single submitter (1 of 4 stars). 3 submissions from 3 submitters: Benign (1). 2 of the submissions do not count toward it.

Conditions:
TBC1D4-related disorder. Also called: TBC1D4-related condition.

Allele frequency attached by ClinVar (database versions not stated): 1000 Genomes Project 30x 0.04731; 1000 Genomes Project 0.04752; TOPMed 0.08828; gnomAD 0.09110 and 0.09341; ESP Exome Variant Server 0.10400.
gnomAD v4.1: 191,629 of 1,614,148 alleles (12%); highest among the groups gnomAD compares: Non-Finnish European, 14%; 12,743 homozygotes.

Submissions (3):

Breakthrough Genomics
Classification: Benign. Review status: criteria provided, single submitter. Criteria: ACMG Guidelines, 2015. Collection method: not provided. Allele origin: germline. Inheritance: Unknown mechanism. Affected: yes.

PreventionGenetics, part of Exact Sciences
Classification: Benign for TBC1D4-related condition. Last evaluated: 2019-10-28. Review status: no assertion criteria provided. Collection method: clinical testing. Allele origin: germline. Not counted in ClinVar's aggregate classification.
Comment: This variant is classified as benign based on ACMG/AMP sequence variant interpretation guidelines (Richards et al. 2015 PMID: 25741868, with internal and published modifications).

Genetic Services Laboratory, University of Chicago
Classification: Likely benign for AllHighlyPenetrant. Review status: no assertion criteria provided. Collection method: clinical testing. Allele origin: germline. Inheritance: Autosomal dominant inheritance. Not counted in ClinVar's aggregate classification.
Comment: Likely benign based on allele frequency in 1000 Genomes Project or ESP global frequency and its presence in a patient with a rare or unrelated disease phenotype. NOT Sanger confirmed.